The following is an entry in ClinVar:

NC_000023.10:g.(?_76763809)_(76972740_?)dup

Gene: ATRX (ATRX chromatin remodeler; minus strand). Cytogenetic location: Xq21.1.
Variant type: Duplication.
Identifiers: ClinVar variation 584166 (VCV000584166.2).

ClinVar aggregate classification (germline): Uncertain significance (1 of 4 stars; one submission).

Conditions:
Alpha thalassemia-X-linked intellectual disability syndrome (ATRX). Also called: ALPHA-THALASSEMIA/IMPAIRED INTELLECTUAL DEVELOPMENT SYNDROME, X-LINKED; ALPHA-THALASSEMIA/MENTAL RETARDATION SYNDROME, X-LINKED; ATR, NONDELETION TYPE; X-linked alpha-thalassemia-mental retardation syndrome; ATR-X syndrome; Alpha thalassemia mental retardation syndrome, nondeletion type, X-linked. Identifiers: Orphanet 847, MedGen C1845055, MONDO:0010519, OMIM 301040.

Submission:

Labcorp Genetics (formerly Invitae), Labcorp
Classification: Uncertain significance for ATR-X syndrome. Last evaluated: 2019-12-18. Review status: criteria provided, single submitter. Criteria: Invitae Variant Classification Sherloc (09022015). Collection method: clinical testing. Allele origin: germline.
Comment: This variant results in a copy number gain of the genomic region encompassing exons 2 to 35 the ATRX gene. The 5' boundary is likely confined to intron 1. The 3' end of this event is unknown as it extends beyond the assayed region for this gene and therefore may encompass additional genes. As the precise location of this event is unknown, it may be in tandem or it may be located elsewhere in the genome. A similar copy number gain of exons 2-35 has been reported in a family affected with ATRX syndrome (PMID: 17579672). Experimental studies are not available for this variant, and the functional significance of the duplicated exons is currently unknown. In summary, the available evidence is currently insufficient to determine the role of this variant in disease. Therefore, it has been classified as a Variant of Uncertain Significance.

Literature cited by the submitters: PubMed 17579672.